The following is an entry in ClinVar:

ClinVar aggregate classification (germline): Uncertain significance (1 of 4 stars; one submission).

Submission:

Women's Health and Genetics/Laboratory Corporation of America, LabCorp
Classification: Uncertain significance. Last evaluated: 2024-07-03. Review status: criteria provided, single submitter. Criteria: LabCorp Variant Classification Summary - May 2015. Collection method: clinical testing. Allele origin: germline.
Comment: Variant summary: USH2A c.1551-504C>T is located at a position not widely known to affect splicing. Several computational tools predict a significant impact on normal splicing: Three predict the variant creates a 5' donor site. At least one publication reports experimental evidence that this variant induced the inclusion of a 118 nt pseudoexon that results in a premature termination codon (e.g. Reurink_2023), however data in patient-derived cell indicated this may not induce nonsense mediated decay. The frequency of this variant in the general population could not be determined as the technology used for large population databases (ExAC, gnomAD, ESP, 1000G) cannot detect variants of this type. c.1551-504C>T has been reported in the literature in the presumed compound heterozygous state in at least one individual affected with Usher Syndrome (Reurink_2023). These report(s) do not provide unequivocal conclusions about association of the variant with Usher Syndrome. The following publication has been ascertained in the context of this evaluation (PMID: 36785559). No submitters have cited clinical-significance assessments for this variant to ClinVar. Based on the evidence outlined above, the variant was classified as uncertain significance.

Literature cited by the submitters: PubMed 36785559.

NM_206933.4(USH2A):c.1551-504C>T

Gene: USH2A (usherin; minus strand). Cytogenetic location: 1q41.
Variant type: single nucleotide variant.
Coding change: c.1551-504C>T on transcript NM_206933.4 (MANE Select); 504 bases into the intron before coding-DNA position 1551, C replaced by T.
Molecular consequence: intron variant.
Genome position (GRCh38, 1-based): chr1:216,322,480, G>A on the plus strand (C>T on the coding strand, the complement: USH2A is on the minus strand). VCF-style: chr1-216322480-G-A. GRCh37 (hg19) VCF-style: chr1-216495822-G-A.
Other names: c.1551-504C>T (NM_007123.6).
Identifiers: ClinVar variation 3339164 (VCV003339164.1).
Genomic context (GRCh38, chr1:216,322,480, plus strand): 5'-TGGCAAAACCCCATCTCTACAAAAAGTGAAAAAAAAAATCAGCTGGGCATGGTGGCACAT[G>A]CCTGTAGTCCCAGTTACTTTGGAGGCTGAGATGAGAGGATCACTTGAGGCCCAGAAGTCG-3'